The following is an entry in ClinVar:

ClinVar aggregate classification (germline): Pathogenic. Review status: criteria provided, multiple submitters, no conflicts (2 of 4 stars). 2 submissions from 2 submitters: Pathogenic (2). Last evaluated 2023-10-15.

Conditions:
Autosomal recessive polycystic kidney disease (ARPKD). Also called: AR polycystic kidney disease. Identifiers: Orphanet 731, Orphanet 8378, MedGen C0085548, MeSH D017044, MONDO:0009889.

Submissions (2):

Labcorp Genetics (formerly Invitae), Labcorp
Classification: Pathogenic for Autosomal recessive polycystic kidney disease. Last evaluated: 2023-10-15. Review status: criteria provided, single submitter. Criteria: Invitae Variant Classification Sherloc (09022015). Collection method: clinical testing. Allele origin: germline.
Comment: This sequence change creates a premature translational stop signal (p.Val1776Profs*3) in the PKHD1 gene. It is expected to result in an absent or disrupted protein product. Loss-of-function variants in PKHD1 are known to be pathogenic (PMID: 19940839). This variant is not present in population databases (gnomAD no frequency). This variant has not been reported in the literature in individuals affected with PKHD1-related conditions. ClinVar contains an entry for this variant (Variation ID: 196878). For these reasons, this variant has been classified as Pathogenic.

Eurofins Ntd Llc (ga)
Classification: Pathogenic. Last evaluated: 2014-05-23. Review status: criteria provided, single submitter. Criteria: EGL Classification Definitions 2015. Collection method: clinical testing. Allele origin: germline. Observed: 2 variant alleles, 2 heterozygotes.

Literature cited by the submitters: PubMed 19940839 (cited by Labcorp Genetics (formerly Invitae), Labcorp).

NM_138694.4(PKHD1):c.5325_5326del (p.Val1776fs)

Gene: PKHD1 (PKHD1 ciliary IPT domain containing fibrocystin/polyductin; minus strand). Cytogenetic location: 6p12.2.
Variant type: Deletion.
Coding change: c.5325_5326del on transcript NM_138694.4 (MANE Select); coding-DNA positions 5325 to 5326, 2 bases deleted (AG; older notation c.5325_5326delAG).
Protein change: p.Val1776fs; shifts the reading frame from valine 1776.
Molecular consequence: frameshift variant.
Genome position (GRCh38, 1-based): chr6:52,022,855-52,022,856, CT deleted on the plus strand (AG on the coding strand, the reverse complement: PKHD1 is on the minus strand); deleting any 2 consecutive bases within chr6:52,022,855-52,022,857 gives the same sequence; the c. name uses the placement nearest the transcript's 3' end. VCF-style (leftmost placement, unchanged base first): chr6-52022854-ACT-A. GRCh37 (hg19) VCF-style: chr6-51887652-ACT-A.
Other names: c.5325_5326del, p.Val1776fs (NM_170724.3); short protein forms V1776fs.
Identifiers: ClinVar variation 196878 (VCV000196878.8), dbSNP rs794727572, ClinGen allele CA275217.
Genomic context (GRCh38, chr6:52,022,854, plus strand): 5'-TACTCACCATCCAGGGGCAGAACCAAGCAGCTGAAGGCAGACACTGTAGCATTAGCCAGG[ACT>A]CGGCAGGGAGCACCACACACAGCAGCTGAGACATTCCCTGGAGAAAATCCCGCTCCAAAC-3'